The following is an entry in ClinVar:

NM_145725.3(TRAF3):c.428T>G (p.Phe143Cys)

Gene: TRAF3 (TNF receptor associated factor 3; plus strand). Cytogenetic location: 14q32.32.
Variant type: single nucleotide variant.
Coding change: c.428T>G on transcript NM_145725.3 (MANE Select); coding-DNA position 428, T replaced by G.
Protein change: p.Phe143Cys; replaces phenylalanine 143 with cysteine.
Molecular consequence: missense variant.
Genome position (GRCh38, 1-based): chr14:102,876,383, T>G. VCF-style: chr14-102876383-T-G. GRCh37 (hg19) VCF-style: chr14-103342720-T-G.
Other names: c.428T>G, p.Phe143Cys (NM_001199427.2, NM_001385142.1, NM_001385143.1 and 2 more transcripts); short protein forms F143C.
Identifiers: ClinVar variation 853351 (VCV000853351.10), dbSNP rs1888649686, ClinGen allele CA391070568.

ClinVar aggregate classification (germline): Uncertain significance (1 of 4 stars; one submission).

Conditions:
Immunodeficiency 132A. Also called: Herpes simplex encephalitis, susceptibility to, 3. Identifiers: Orphanet 1930, MedGen C3553868, MONDO:0013920, OMIM 614849.

Submission:

Labcorp Genetics (formerly Invitae), Labcorp
Classification: Uncertain significance for Immunodeficiency 132A. Last evaluated: 2019-01-24. Review status: criteria provided, single submitter. Criteria: Invitae Variant Classification Sherloc (09022015). Collection method: clinical testing. Allele origin: germline.
Comment: In summary, the available evidence is currently insufficient to determine the role of this variant in disease. Therefore, it has been classified as a Variant of Uncertain Significance. Algorithms developed to predict the effect of missense changes on protein structure and function (SIFT, PolyPhen-2, Align-GVGD) all suggest that this variant is likely to be disruptive, but these predictions have not been confirmed by published functional studies and their clinical significance is uncertain. This variant has not been reported in the literature in individuals with TRAF3-related conditions. This variant is not present in population databases (ExAC no frequency). This sequence change replaces phenylalanine with cysteine at codon 143 of the TRAF3 protein (p.Phe143Cys). The phenylalanine residue is highly conserved and there is a large physicochemical difference between phenylalanine and cysteine.